The following is an entry in ClinVar:

ClinVar aggregate classification (germline): Likely benign (0 of 4 stars; one submission).

Conditions:
TNK2-related disorder. Also called: TNK2-related condition.

Allele frequency attached by ClinVar (database versions not stated): ExAC 0.00009; gnomAD 0.00031; 1000 Genomes Project 0.00060; 1000 Genomes Project 30x 0.00062.
gnomAD v4.1: 104 of 1,589,516 alleles (0.0065%); highest among the groups gnomAD compares: African/African-American, 0.11%; no homozygotes.

Submission:

PreventionGenetics, part of Exact Sciences
Classification: Likely benign for TNK2-related condition. Last evaluated: 2019-05-22. Review status: no assertion criteria provided. Collection method: clinical testing. Allele origin: germline.
Comment: This variant is classified as likely benign based on ACMG/AMP sequence variant interpretation guidelines (Richards et al. 2015 PMID: 25741868, with internal and published modifications).

NM_001382273.1(TNK2):c.1680G>T (p.Gly560=)

Gene: TNK2 (tyrosine kinase non receptor 2; minus strand). Cytogenetic location: 3q29.
Variant type: single nucleotide variant.
Coding change: c.1680G>T on transcript NM_001382273.1 (MANE Select); coding-DNA position 1680, G replaced by T.
Protein change: p.Gly560=; no amino-acid change (glycine 560 retained).
Molecular consequence: synonymous variant. On other transcripts: non-coding transcript variant (15).
Genome position (GRCh38, 1-based): chr3:195,868,618, C>A on the plus strand (G>T on the coding strand, the complement: TNK2 is on the minus strand). VCF-style: chr3-195868618-C-A. GRCh37 (hg19) VCF-style: chr3-195595489-C-A.
Other names: c.1752G>T, p.Gly584= (NM_001010938.2, NM_001382272.1); c.1731G>T, p.Gly577= (NM_001308046.2, NM_001382271.1); c.1680G>T, p.Gly560= (NM_001382274.1, NM_001387716.1, NM_001387717.1 and 1 more transcripts); c.1776G>T, p.Gly592= (NM_001382275.1, NM_001387707.1); c.1635G>T, p.Gly545= (NM_001386164.1, NM_001387709.1, NM_001387710.1 and 8 more transcripts); c.1707G>T, p.Gly569= (NM_001387708.1, NM_001387715.1).
Identifiers: ClinVar variation 3038878 (VCV003038878.2), dbSNP rs542698987, ClinGen allele CA2776234.